The following is an entry in ClinVar:

NM_000179.3(MSH6):c.2988G>A (p.Leu996=)

Gene: MSH6 (mutS homolog 6; plus strand). Cytogenetic location: 2p16.3.
Variant type: single nucleotide variant.
Coding change: c.2988G>A on transcript NM_000179.3 (MANE Select); coding-DNA position 2988, G replaced by A.
Protein change: p.Leu996=; no amino-acid change (leucine 996 retained).
Molecular consequence: synonymous variant.
Genome position (GRCh38, 1-based): chr2:47,800,971, G>A. VCF-style: chr2-47800971-G-A. GRCh37 (hg19) VCF-style: chr2-48028110-G-A.
Other names: c.2598G>A, p.Leu866= (NM_001281492.2); c.2082G>A, p.Leu694= (NM_001281493.2, NM_001281494.2).
Identifiers: ClinVar variation 416154 (VCV000416154.18), dbSNP rs1060504749, ClinGen allele CA16610947.
Genomic context (GRCh38, chr2:47,800,971, plus strand): 5'-TTACCAGCTGGAAATTCCTGAGAATTTCACCACTCGCAATTTGCCAGAAGAATACGAGTT[G>A]AAATCTACCAAGAAGGGCTGTAAACGATACTGGACCAAAACTATTGAAAAGAAGTTGGCT-3'
Protein context (NP_000170.1, residues 986-1006): TTRNLPEEYE[Leu996=]KSTKKGCKRY

ClinVar aggregate classification (germline): Benign/Likely benign. Review status: criteria provided, multiple submitters, no conflicts (2 of 4 stars). 5 submissions from 5 submitters: Benign (1); Likely benign (4). Last evaluated 2025-08-04.

Conditions:
Lynch syndrome 5 (LYNCH5). Also called: Hereditary non-polyposis colorectal cancer, type 5; Colorectal cancer, hereditary nonpolyposis, type 5. Identifiers: Orphanet 144, MedGen C1833477, MONDO:0013710, OMIM 614350. Disease mechanism: loss of function.
Hereditary nonpolyposis colorectal neoplasms. Identifiers: MedGen C0009405, MeSH D003123.
Hereditary cancer-predisposing syndrome. Also called: Tumor predisposition; Hereditary Cancer Syndrome; Hereditary neoplastic syndrome; Neoplastic Syndromes, Hereditary. Identifiers: Orphanet 140162, MedGen C0027672, MeSH D009386, MONDO:0015356.

Allele frequency attached by ClinVar (database versions not stated): gnomAD exomes below 0.00001; TOPMed below 0.00001; gnomAD 0.00001.
gnomAD v4.1: 7 of 1,561,670 alleles (0.00045%); highest among the groups gnomAD compares: Non-Finnish European, 0.00052%; no homozygotes.

Submissions (5):

Color Diagnostics, LLC DBA Color Health
Classification: Likely benign for Hereditary cancer-predisposing syndrome. Last evaluated: 2025-08-04. Review status: criteria provided, single submitter. Criteria: ACMG Guidelines, 2015. Collection method: clinical testing. Allele origin: germline.

Myriad Genetics, Inc.
Classification: Benign for Lynch syndrome 5. Last evaluated: 2025-01-02. Review status: criteria provided, single submitter. Criteria: Myriad Autosomal Dominant, Autosomal Recessive and X-Linked Classification Criteria (2023). Collection method: clinical testing. Allele origin: unknown.
Comment: This variant is considered benign. This variant is a silent/synonymous amino acid change and it is not expected to impact splicing.

Labcorp Genetics (formerly Invitae), Labcorp
Classification: Likely benign for Hereditary nonpolyposis colorectal neoplasms. Last evaluated: 2024-11-11. Review status: criteria provided, single submitter. Criteria: Invitae Variant Classification Sherloc (09022015). Collection method: clinical testing. Allele origin: germline.

Blueprint Genetics
Classification: Likely benign. Last evaluated: 2024-01-23. Review status: criteria provided, single submitter. Criteria: ACMG Guidelines, 2015. Collection method: clinical testing. Allele origin: germline.

Ambry Genetics
Classification: Likely benign for Hereditary cancer-predisposing syndrome. Last evaluated: 2017-02-09. Review status: criteria provided, single submitter. Criteria: Ambry Variant Classification Scheme 2023. Collection method: clinical testing. Allele origin: germline.